The following is an entry in ClinVar:

NM_004304.5(ALK):c.1154G>A (p.Gly385Asp)

Gene: ALK (ALK receptor tyrosine kinase; minus strand). Cytogenetic location: 2p23.2.
Variant type: single nucleotide variant.
Coding change: c.1154G>A on transcript NM_004304.5 (MANE Select); coding-DNA position 1154, G replaced by A.
Protein change: p.Gly385Asp; replaces glycine 385 with aspartic acid.
Molecular consequence: missense variant.
Genome position (GRCh38, 1-based): chr2:29,531,915, C>T on the plus strand (G>A on the coding strand, the complement: ALK is on the minus strand). VCF-style: chr2-29531915-C-T. GRCh37 (hg19) VCF-style: chr2-29754781-C-T.
Other names: short protein forms G385D.
Identifiers: ClinVar variation 665337 (VCV000665337.10), dbSNP rs774127733, ClinGen allele CA1594758.

ClinVar aggregate classification (germline): Uncertain significance. Review status: criteria provided, multiple submitters, no conflicts (2 of 4 stars). 3 submissions from 3 submitters: Uncertain significance (3). Last evaluated 2026-01-17.

Conditions:
Hereditary cancer-predisposing syndrome. Also called: Neoplastic Syndromes, Hereditary; Hereditary neoplastic syndrome; Tumor predisposition; Hereditary Cancer Syndrome. Identifiers: Orphanet 140162, MedGen C0027672, MeSH D009386, MONDO:0015356.
Neuroblastoma, susceptibility to, 3. Also called: ALK-Related Neuroblastic Tumor Susceptibility. Identifiers: Orphanet 635, MedGen C2751681, MONDO:0013083, OMIM 613014.

Allele frequency attached by ClinVar (database versions not stated): TOPMed 0.00002; gnomAD 0.00003.
gnomAD v4.1: 54 of 1,613,944 alleles (0.0033%); highest among the groups gnomAD compares: Non-Finnish European, 0.0042%; no homozygotes.

Submissions (3):

Labcorp Genetics (formerly Invitae), Labcorp
Classification: Uncertain significance for Neuroblastoma, susceptibility to, 3. Last evaluated: 2026-01-17. Review status: criteria provided, single submitter. Criteria: Invitae Variant Classification Sherloc (09022015). Collection method: clinical testing. Allele origin: germline.
Comment: This sequence change replaces glycine, which is neutral and non-polar, with aspartic acid, which is acidic and polar, at codon 385 of the ALK protein (p.Gly385Asp). This variant also falls at the last nucleotide of exon 4, which is part of the consensus splice site for this exon. This variant is present in population databases (rs774127733, gnomAD 0.004%). This variant has not been reported in the literature in individuals affected with ALK-related conditions. ClinVar contains an entry for this variant (Variation ID: 665337). An algorithm developed to predict the effect of missense changes on protein structure and function (PolyPhen-2) suggests that this variant is likely to be disruptive. Variants that disrupt the consensus splice site are a relatively common cause of aberrant splicing (PMID: 17576681, 9536098). In summary, the available evidence is currently insufficient to determine the role of this variant in disease. Therefore, it has been classified as a Variant of Uncertain Significance.

Ambry Genetics
Classification: Uncertain significance for Hereditary cancer-predisposing syndrome. Last evaluated: 2025-03-22. Review status: criteria provided, single submitter. Criteria: Ambry Variant Classification Scheme 2023. Collection method: clinical testing. Allele origin: germline.
Comment: The p.G385D variant (also known as c.1154G>A), located in coding exon 4 of the ALK gene, results from a G to A substitution at nucleotide position 1154. The glycine at codon 385 is replaced by aspartic acid, an amino acid with similar properties. This change occurs in the last base pair of coding exon 4 and may have some effect on normal mRNA splicing. However, loss of function of ALK has not been established as a mechanism of disease. This nucleotide position is highly conserved in available vertebrate species. In silico splice site analysis predicts that this alteration will not have any significant effect on splicing. This amino acid position is highly conserved in available vertebrate species. In addition, as a missense substitution this is predicted to be inconclusive by in silico analysis. Based on the available evidence, the clinical significance of this variant remains unclear.

GeneDx
Classification: Uncertain significance. Last evaluated: 2023-09-18. Review status: criteria provided, single submitter. Criteria: GeneDx Variant Classification Process June 2021. Collection method: clinical testing. Allele origin: germline. Affected: yes.
Comment: Not observed at significant frequency in large population cohorts (gnomAD); In silico analysis supports that this missense variant does not alter protein structure/function; Has not been previously published as pathogenic or benign to our knowledge

Literature cited by the submitters: PubMed 17576681 (cited by Labcorp Genetics (formerly Invitae), Labcorp); PubMed 9536098 (cited by Labcorp Genetics (formerly Invitae), Labcorp).